The following is an entry in ClinVar:

NM_001164508.2(NEB):c.8104C>T (p.Leu2702Phe)

Gene: NEB (nebulin; minus strand). Cytogenetic location: 2q23.3.
Variant type: single nucleotide variant.
Coding change: c.8104C>T on transcript NM_001164508.2 (MANE Select); coding-DNA position 8104, C replaced by T.
Protein change: p.Leu2702Phe; replaces leucine 2702 with phenylalanine.
Molecular consequence: missense variant.
Genome position (GRCh38, 1-based): chr2:151,643,206, G>A on the plus strand (C>T on the coding strand, the complement: NEB is on the minus strand). VCF-style: chr2-151643206-G-A. GRCh37 (hg19) VCF-style: chr2-152499720-G-A.
Other names: c.8104C>T, p.Leu2702Phe (NM_001164507.2, NM_001271208.2, NM_004543.5); short protein forms L2702F.
Identifiers: ClinVar variation 853764 (VCV000853764.12), dbSNP rs372248515, ClinGen allele CA1909684.
Genomic context (GRCh38, chr2:151,643,206, plus strand): 5'-TTACATGATTCATGGTAATAGCATTGTTTTTTGCCAAAACCATTGGTATGGAATCCATAA[G>A]GCTGGAAAACTTAAATTGATCTGGGTGCTGACGGTAAACATGGTCACTCAAAATCTGGGT-3'
Protein context (NP_001157980.2, residues 2692-2712): QHPDQFKFSS[Leu2702Phe]MDSIPMVLAK

ClinVar aggregate classification (germline): Uncertain significance. Review status: criteria provided, multiple submitters, no conflicts (2 of 4 stars). 4 submissions from 4 submitters: Uncertain significance (2). 2 of the submissions do not count toward it. Last evaluated 2024-04-05.

Conditions:
Nemaline myopathy 2 (NEM2). Also called: Nemaline myopathy 2, autosomal recessive. Identifiers: MedGen C1850569, MONDO:0009725, OMIM 256030.
NEB-related disorder. Also called: NEB-related condition; NEB-Related Disorders.

Allele frequency attached by ClinVar (database versions not stated): gnomAD exomes below 0.00001 and 0.00001; ExAC 0.00001; gnomAD 0.00003 and 0.00004; TOPMed 0.00003; ESP Exome Variant Server 0.00008.
gnomAD v4.1: 7 of 1,613,722 alleles (0.00043%); highest among the groups gnomAD compares: African/African-American, 0.0053%; no homozygotes.

Submissions (4):

Labcorp Genetics (formerly Invitae), Labcorp
Classification: Uncertain significance for Nemaline myopathy 2. Last evaluated: 2024-04-05. Review status: criteria provided, single submitter. Criteria: Invitae Variant Classification Sherloc (09022015). Collection method: clinical testing. Allele origin: germline.
Comment: This sequence change replaces leucine, which is neutral and non-polar, with phenylalanine, which is neutral and non-polar, at codon 2702 of the NEB protein (p.Leu2702Phe). This variant is present in population databases (rs372248515, gnomAD 0.007%). This variant has not been reported in the literature in individuals affected with NEB-related conditions. ClinVar contains an entry for this variant (Variation ID: 853764). Experimental studies and prediction algorithms are not available or were not evaluated, and the functional significance of this variant is currently unknown. In summary, the available evidence is currently insufficient to determine the role of this variant in disease. Therefore, it has been classified as a Variant of Uncertain Significance.

Revvity Omics, Revvity
Classification: Uncertain significance. Last evaluated: 2023-05-17. Review status: criteria provided, single submitter. Criteria: ACMG Guidelines, 2015. Collection method: clinical testing. Allele origin: germline.

PreventionGenetics, part of Exact Sciences
Classification: Uncertain significance for NEB-related condition. Last evaluated: 2024-03-27. Review status: no assertion criteria provided. Collection method: clinical testing. Allele origin: germline. Not counted in ClinVar's aggregate classification.
Comment: The NEB c.8104C>T variant is predicted to result in the amino acid substitution p.Leu2702Phe. To our knowledge, this variant has not been reported in the literature. This variant is reported in 0.0065% of alleles in individuals of African descent in gnomAD. At this time, the clinical significance of this variant is uncertain due to the absence of conclusive functional and genetic evidence.

Natera, Inc.
Classification: Uncertain significance for Nemaline myopathy type 2. Last evaluated: 2021-07-06. Review status: no assertion criteria provided. Collection method: clinical testing. Allele origin: germline. Not counted in ClinVar's aggregate classification.